The following is an entry in ClinVar:

ClinVar aggregate classification (germline): Uncertain significance (1 of 4 stars; one submission).

Conditions:
Renal carnitine transport defect (CDSP). Also called: Carnitine transporter deficiency; Carnitine Deficiency, Systemic; Primary carnitine deficiency; Systemic primary carnitine deficiency disease; CARNITINE DEFICIENCY, SYSTEMIC, DUE TO DEFECT IN RENAL REABSORPTION OF CARNITINE; CARNITINE TRANSPORTER, PLASMA-MEMBRANE, DEFICIENCY OF. Identifiers: Orphanet 158, MedGen C0342788, MONDO:0008919, OMIM 212140.

Submission:

Labcorp Genetics (formerly Invitae), Labcorp
Classification: Uncertain significance for Renal carnitine transport defect. Last evaluated: 2021-09-01. Review status: criteria provided, single submitter. Criteria: Invitae Variant Classification Sherloc (09022015). Collection method: clinical testing. Allele origin: germline.
Comment: This sequence change replaces serine with proline at codon 323 of the SLC22A5 protein (p.Ser323Pro). The serine residue is moderately conserved and there is a moderate physicochemical difference between serine and proline. This variant is not present in population databases (ExAC no frequency). This variant has not been reported in the literature in individuals affected with SLC22A5-related conditions. Algorithms developed to predict the effect of missense changes on protein structure and function (SIFT, PolyPhen-2, Align-GVGD) all suggest that this variant is likely to be tolerated. In summary, the available evidence is currently insufficient to determine the role of this variant in disease. Therefore, it has been classified as a Variant of Uncertain Significance.

NM_003060.4(SLC22A5):c.967T>C (p.Ser323Pro)

Gene: SLC22A5 (solute carrier family 22 member 5; plus strand). Cytogenetic location: 5q31.1.
Variant type: single nucleotide variant.
Coding change: c.967T>C on transcript NM_003060.4 (MANE Select); coding-DNA position 967, T replaced by C.
Protein change: p.Ser323Pro; replaces serine 323 with proline.
Molecular consequence: missense variant.
Genome position (GRCh38, 1-based): chr5:132,388,936, T>C. VCF-style: chr5-132388936-T-C. GRCh37 (hg19) VCF-style: chr5-131724628-T-C.
Other names: c.1039T>C, p.Ser347Pro (NM_001308122.2); short protein forms S323P, S347P.
Identifiers: ClinVar variation 569572 (VCV000569572.6), dbSNP rs1561574073, ClinGen allele CA360806062.
Genomic context (GRCh38, chr5:132,388,936, plus strand): 5'-CTGACCACCTCTTCTTCCCATACACTTATGATGTTGTTCCTGCAGTTACAAGACCTAAGT[T>C]CCAAGAAGCAGCAGTCCCACAACATTCTGGATCTGCTTCGAACCTGGAATATCCGGATGG-3'
Protein context (NP_003051.1, residues 313-333): FDPSELQDLS[Ser323Pro]KKQQSHNILD